The following is an entry in ClinVar:

ClinVar aggregate classification (germline): Likely benign (1 of 4 stars; one submission).

Allele frequency attached by ClinVar (database versions not stated): gnomAD exomes below 0.00001; TOPMed 0.00008; gnomAD 0.00009; ESP Exome Variant Server 0.00022.
gnomAD v4.1: 18 of 1,537,204 alleles (0.0012%); highest among the groups gnomAD compares: African/African-American, 0.023%; no homozygotes.

Submission:

CeGaT Center for Human Genetics Tuebingen
Classification: Likely benign. Last evaluated: 2023-02-01. Review status: criteria provided, single submitter. Criteria: CeGaT Center For Human Genetics Tuebingen Variant Classification Criteria Version 2. Collection method: clinical testing. Allele origin: germline. Affected: yes. Observed: 1 variant allele.
Comment: RNF213: BP4, BS2

NM_001256071.3(RNF213):c.4776G>A (p.Leu1592=)

Gene: RNF213 (ring finger protein 213; plus strand). Cytogenetic location: 17q25.3.
Variant type: single nucleotide variant.
Coding change: c.4776G>A on transcript NM_001256071.3 (MANE Select); coding-DNA position 4776, G replaced by A.
Protein change: p.Leu1592=; no amino-acid change (leucine 1592 retained).
Molecular consequence: synonymous variant.
Genome position (GRCh38, 1-based): chr17:80,337,940, G>A. VCF-style: chr17-80337940-G-A. GRCh37 (hg19) VCF-style: chr17-78311740-G-A.
Other names: c.4923G>A, p.Leu1641= (NM_001410195.1, NM_020914.5).
Identifiers: ClinVar variation 2648413 (VCV002648413.24), dbSNP rs369667044, ClinGen allele CA294911423.